The following is an entry in ClinVar:

ClinVar aggregate classification (germline): Uncertain significance. Review status: criteria provided, multiple submitters, no conflicts (2 of 4 stars). 4 submissions from 4 submitters: Uncertain significance (4). Last evaluated 2025-06-08.

Conditions:
Cardiovascular phenotype. Identifiers: MedGen CN230736.
Dilated cardiomyopathy 1S (CMD1S). Identifiers: Orphanet 154, Orphanet 54260, MedGen C1834481, MONDO:0013262, OMIM 613426.
Hypertrophic cardiomyopathy 1 (CMH1). Also called: Familial hypertrophic cardiomyopathy 1; MYH7-Related Familial Hypertrophic Cardiomyopathy. Identifiers: MedGen C3495498, MONDO:0008647, OMIM 192600.
Hypertrophic cardiomyopathy. Also called: HYPERTROPHIC MYOCARDIOPATHY. Identifiers: Orphanet 217569, MedGen C0007194, MeSH D002312, MONDO:0005045, HP:0001639.

Allele frequency attached by ClinVar (database versions not stated): gnomAD exomes below 0.00001; TOPMed below 0.00001.

Submissions (4):

Labcorp Genetics (formerly Invitae), Labcorp
Classification: Uncertain significance for Hypertrophic cardiomyopathy. Last evaluated: 2025-06-08. Review status: criteria provided, single submitter. Criteria: Invitae Variant Classification Sherloc (09022015). Collection method: clinical testing. Allele origin: germline.
Comment: This sequence change replaces glutamic acid, which is acidic and polar, with lysine, which is basic and polar, at codon 1581 of the MYH7 protein (p.Glu1581Lys). This variant is not present in population databases (gnomAD no frequency). This variant has not been reported in the literature in individuals affected with MYH7-related conditions. ClinVar contains an entry for this variant (Variation ID: 851487). Invitae Evidence Modeling of protein sequence and biophysical properties (such as structural, functional, and spatial information, amino acid conservation, physicochemical variation, residue mobility, and thermodynamic stability) indicates that this missense variant is expected to disrupt MYH7 protein function with a positive predictive value of 95%. In summary, the available evidence is currently insufficient to determine the role of this variant in disease. Therefore, it has been classified as a Variant of Uncertain Significance.

Institute of Immunology and Genetics Kaiserslautern
Classification: Uncertain significance for Hypertrophic cardiomyopathy 1; Dilated cardiomyopathy 1S. Last evaluated: 2025-05-07. Review status: criteria provided, single submitter. Criteria: ACMG Guidelines, 2015. Collection method: clinical testing. Allele origin: germline.
Comment: ACMG Criteria:PM1, PM2_P, PP3; Variant was found in heterozygous state.

Blueprint Genetics
Classification: Uncertain significance. Last evaluated: 2024-10-23. Review status: criteria provided, single submitter. Criteria: ACMG Guidelines, 2015. Collection method: clinical testing. Allele origin: germline.

Ambry Genetics
Classification: Uncertain significance for Cardiovascular phenotype. Last evaluated: 2022-06-08. Review status: criteria provided, single submitter. Criteria: Ambry Variant Classification Scheme 2023. Collection method: clinical testing. Allele origin: germline.
Comment: The p.E1581K variant (also known as c.4741G>A), located in coding exon 32 of the MYH7 gene, results from a G to A substitution at nucleotide position 4741. The glutamic acid at codon 1581 is replaced by lysine, an amino acid with similar properties. This amino acid position is highly conserved in available vertebrate species. In addition, this alteration is predicted to be deleterious by in silico analysis. Since supporting evidence is limited at this time, the clinical significance of this alteration remains unclear.

NM_000257.4(MYH7):c.4741G>A (p.Glu1581Lys)

Genes: MHRT (myosin heavy chain associated RNA transcript; plus strand), MYH7 (myosin heavy chain 7; minus strand), LOC126861897 (BRD4-independent group 4 enhancer GRCh37_chr14:23884455-23885654; plus strand). Cytogenetic location: 14q11.2.
Variant type: single nucleotide variant.
Coding change: c.4741G>A on transcript NM_000257.4 (MANE Select); coding-DNA position 4741, G replaced by A.
Protein change: p.Glu1581Lys; replaces glutamic acid 1581 with lysine.
Molecular consequence: missense variant. On other transcripts: non-coding transcript variant (1).
Genome position (GRCh38, 1-based): chr14:23,416,216, C>T on the plus strand (G>A on the coding strand, the complement: MYH7 is on the minus strand). VCF-style: chr14-23416216-C-T. GRCh37 (hg19) VCF-style: chr14-23885425-C-T.
Other names: short protein forms E1581K.
Identifiers: ClinVar variation 851487 (VCV000851487.12), dbSNP rs1892202458, ClinGen allele CA389037736.